The following is an entry in ClinVar:

NM_014908.4(DOLK):c.194A>G (p.Gln65Arg)

Gene: DOLK (dolichol kinase; minus strand). Cytogenetic location: 9q34.11.
Variant type: single nucleotide variant.
Coding change: c.194A>G on transcript NM_014908.4 (MANE Select); coding-DNA position 194, A replaced by G.
Protein change: p.Gln65Arg; replaces glutamine 65 with arginine.
Molecular consequence: missense variant.
Genome position (GRCh38, 1-based): chr9:128,947,110, T>C on the plus strand (A>G on the coding strand, the complement: DOLK is on the minus strand). VCF-style: chr9-128947110-T-C. GRCh37 (hg19) VCF-style: chr9-131709389-T-C.
Other names: short protein forms Q65R.
Identifiers: ClinVar variation 532848 (VCV000532848.7), dbSNP rs754744977, ClinGen allele CA5271784.

ClinVar aggregate classification (germline): Uncertain significance (1 of 4 stars; one submission).

Conditions:
DK1-congenital disorder of glycosylation. Also called: CONGENITAL DISORDER OF GLYCOSYLATION, TYPE Im; CDG Im; DK1 DEFICIENCY; DOLICHOL KINASE DEFICIENCY; DOLK-congenital disorder of glycosylation; Carbohydrate deficient glycoprotein syndrome type 1m. Identifiers: Orphanet 91131, MedGen C1835849, MONDO:0012556, OMIM 610768.

Allele frequency attached by ClinVar (database versions not stated): gnomAD exomes below 0.00001; TOPMed below 0.00001; ExAC 0.00001; gnomAD 0.00001.

Submission:

Labcorp Genetics (formerly Invitae), Labcorp
Classification: Uncertain significance for DK1-congenital disorder of glycosylation. Last evaluated: 2023-07-07. Review status: criteria provided, single submitter. Criteria: Invitae Variant Classification Sherloc (09022015). Collection method: clinical testing. Allele origin: germline.
Comment: This variant is present in population databases (rs754744977, gnomAD 0.0009%). In summary, the available evidence is currently insufficient to determine the role of this variant in disease. Therefore, it has been classified as a Variant of Uncertain Significance. An algorithm developed to predict the effect of missense changes on protein structure and function (PolyPhen-2) suggests that this variant¬†is likely to be tolerated. ClinVar contains an entry for this variant (Variation ID: 532848). This variant has not been reported in the literature in individuals affected with DOLK-related conditions. This sequence change replaces glutamine, which is neutral and polar, with arginine, which is basic and polar, at codon 65 of the DOLK protein (p.Gln65Arg).